The following is an entry in ClinVar:

ClinVar aggregate classification (germline): Likely pathogenic (1 of 4 stars; one submission).

Conditions:
Cystic fibrosis (CF). Also called: MUCOVISCIDOSIS. Identifiers: Orphanet 586, MedGen C0010674, MONDO:0009061, OMIM 219700. Disease mechanism: loss of function.

Submission:

Women's Health and Genetics/Laboratory Corporation of America, LabCorp
Classification: Likely pathogenic for Cystic fibrosis. Last evaluated: 2023-08-03. Review status: criteria provided, single submitter. Criteria: LabCorp Variant Classification Summary - May 2015. Collection method: clinical testing. Allele origin: germline.
Comment: Variant summary: The variant identified by MLPA or other technology involves the deletion of exon 1 in the CFTR gene. A presumed nomenclature of c.(?_-133)_(53+1_54-1)del has been designated for the purposes of this classification. Although exact breakpoints of this deletion are not known, it is expected to remove the initiation codon and is predicted to result either in absence of the protein or truncation of the encoded protein due to translation initiation at a downstream site. An alternative downstream in-frame start codon (p.Met82) is located in exon 3 of the encoded protein. The variant was absent in 21694 control chromosomes (gnomAD). c.(?_-133)_(53+1_54-1)del has been reported in the literature in an individual affected with Congenital Absence Of The Vas Deferens and CFTR related disorder (examples: Fang_ 2022 and Duz_2021). To our knowledge, no experimental evidence demonstrating an impact on protein function has been reported. Other start loss variants have been classified pathogenic in ClinVar (IDs: 53423, 53622). The following publications have been ascertained in the context of this evaluation (PMID: 28603918, 36437957, 33093640). One submitter has cited clinical-significance assessments for this variant to ClinVar after 2014 and has classified the variant as pathogenic. Based on the evidence outlined above, the variant was classified as likely pathogenic.

Literature cited by the submitters: PubMed 28603918; PubMed 36437957; PubMed 33093640.

NC_000007.13:g.(?_117120016)_(117120202_117144306)del

Gene: CFTR (CF transmembrane conductance regulator; plus strand). Cytogenetic location: 7q31.2.
Variant type: Deletion.
Identifiers: ClinVar variation 2581307 (VCV002581307.1).